The following is an entry in ClinVar:

NM_000435.3(NOTCH3):c.3305A>T (p.Tyr1102Phe)

Gene: NOTCH3 (notch receptor 3; minus strand). Cytogenetic location: 19p13.12.
Variant type: single nucleotide variant.
Coding change: c.3305A>T on transcript NM_000435.3 (MANE Select); coding-DNA position 3305, A replaced by T.
Protein change: p.Tyr1102Phe; replaces tyrosine 1102 with phenylalanine.
Molecular consequence: missense variant.
Genome position (GRCh38, 1-based): chr19:15,180,094, T>A on the plus strand (A>T on the coding strand, the complement: NOTCH3 is on the minus strand). VCF-style: chr19-15180094-T-A. GRCh37 (hg19) VCF-style: chr19-15290905-T-A.
Other names: short protein forms Y1102F.
Identifiers: ClinVar variation 1163131 (VCV001163131.9), dbSNP rs148838056, ClinGen allele CA9263137.

ClinVar aggregate classification (germline): Uncertain significance. Review status: criteria provided, multiple submitters, no conflicts (2 of 4 stars). 3 submissions from 3 submitters: Uncertain significance (3). Last evaluated 2025-02-11.

Allele frequency attached by ClinVar (database versions not stated): gnomAD exomes 0.00001; TOPMed 0.00001; ExAC 0.00002; gnomAD 0.00002 and 0.00003; ESP Exome Variant Server 0.00008; 1000 Genomes Project 30x 0.00016; 1000 Genomes Project 0.00020.

Submissions (3):

Women's Health and Genetics/Laboratory Corporation of America, LabCorp
Classification: Uncertain significance. Last evaluated: 2025-02-11. Review status: criteria provided, single submitter. Criteria: LabCorp Variant Classification Summary - May 2015. Collection method: clinical testing. Allele origin: germline.
Comment: Variant summary: NOTCH3 c.3305A>T (p.Tyr1102Phe) results in a conservative amino acid change located in the Epidermal growth factor-like domain (IPR000742) of the encoded protein sequence. Four of five in-silico tools predict a benign effect of the variant on protein function. The variant allele was found at a frequency of 8e-06 in 251024 control chromosomes. The available data on variant occurrences in the general population are insufficient to allow any conclusion about variant significance. To our knowledge, no occurrence of c.3305A>T in individuals affected with Cerebral arteriopathy, autosomal dominant, with subcortical infarcts and leukoencephalopathy, type 1 and no experimental evidence demonstrating its impact on protein function have been reported. ClinVar contains an entry for this variant (Variation ID: 1163131). Based on the evidence outlined above, the variant was classified as uncertain significance.

Labcorp Genetics (formerly Invitae), Labcorp
Classification: Uncertain significance. Last evaluated: 2023-03-18. Review status: criteria provided, single submitter. Criteria: Invitae Variant Classification Sherloc (09022015). Collection method: clinical testing. Allele origin: germline.
Comment: ClinVar contains an entry for this variant (Variation ID: 1163131). This sequence change replaces tyrosine, which is neutral and polar, with phenylalanine, which is neutral and non-polar, at codon 1102 of the NOTCH3 protein (p.Tyr1102Phe). This variant is present in population databases (rs148838056, gnomAD 0.007%). This variant has not been reported in the literature in individuals affected with NOTCH3-related conditions. Advanced modeling of protein sequence and biophysical properties (such as structural, functional, and spatial information, amino acid conservation, physicochemical variation, residue mobility, and thermodynamic stability) performed at Invitae indicates that this missense variant is not expected to disrupt NOTCH3 protein function. In summary, the available evidence is currently insufficient to determine the role of this variant in disease. Therefore, it has been classified as a Variant of Uncertain Significance.

Mayo Clinic Laboratories, Mayo Clinic
Classification: Uncertain significance. Last evaluated: 2019-07-22. Review status: criteria provided, single submitter. Criteria: ACMG Guidelines, 2015. Collection method: clinical testing. Allele origin: germline. Observed: 1 variant allele.